The following is an entry in ClinVar:

ClinVar aggregate classification (germline): Uncertain significance (1 of 4 stars; one submission).

Allele frequency attached by ClinVar (database versions not stated): gnomAD 0.00001; gnomAD exomes 0.00002; ExAC 0.00007.
gnomAD v4.1: 26 of 1,531,478 alleles (0.0017%); highest among the groups gnomAD compares: East Asian, 0.06%; no homozygotes.

Submission:

Labcorp Genetics (formerly Invitae), Labcorp
Classification: Uncertain significance. Last evaluated: 2021-11-08. Review status: criteria provided, single submitter. Criteria: Invitae Variant Classification Sherloc (09022015). Collection method: clinical testing. Allele origin: germline.
Comment: In summary, the available evidence is currently insufficient to determine the role of this variant in disease. Therefore, it has been classified as a Variant of Uncertain Significance. Algorithms developed to predict the effect of missense changes on protein structure and function are either unavailable or do not agree on the potential impact of this missense change (SIFT: "Deleterious"; PolyPhen-2: "Possibly Damaging"; Align-GVGD: "Class C0"). ClinVar contains an entry for this variant (Variation ID: 1058203). This variant has not been reported in the literature in individuals affected with SAMD11-related conditions. This variant is present in population databases (rs755145316, gnomAD 0.02%). This sequence change replaces tyrosine, which is neutral and polar, with histidine, which is basic and polar, at codon 513 of the SAMD11 protein (p.Tyr513His).

NM_001385641.1(SAMD11):c.2026T>C (p.Tyr676His)

Gene: SAMD11 (sterile alpha motif domain containing 11; plus strand). Cytogenetic location: 1p36.33.
Variant type: single nucleotide variant.
Coding change: c.2026T>C on transcript NM_001385641.1 (MANE Select); coding-DNA position 2026, T replaced by C.
Protein change: p.Tyr676His; replaces tyrosine 676 with histidine.
Molecular consequence: missense variant.
Genome position (GRCh38, 1-based): chr1:943,031, T>C. VCF-style: chr1-943031-T-C. GRCh37 (hg19) VCF-style: chr1-878411-T-C.
Other names: c.2029T>C, p.Tyr677His (NM_001385640.1); c.1537T>C, p.Tyr513His (NM_152486.4); short protein forms Y513H, Y676H, Y677H.
Identifiers: ClinVar variation 1058203 (VCV001058203.5), dbSNP rs755145316, ClinGen allele CA503061.